The following is an entry in ClinVar:

ClinVar aggregate classification (germline): Uncertain significance (1 of 4 stars; one submission).

Conditions:
Familial hemiplegic migraine. Identifiers: MedGen C0338484, MONDO:0000700.

gnomAD v4.1: 1 of 1,614,202 alleles (0.000062%); highest among the groups gnomAD compares: East Asian, 0.0022%; no homozygotes.

Submission:

Labcorp Genetics (formerly Invitae), Labcorp
Classification: Uncertain significance for Familial hemiplegic migraine. Last evaluated: 2024-07-01. Review status: criteria provided, single submitter. Criteria: Invitae Variant Classification Sherloc (09022015). Collection method: clinical testing. Allele origin: germline.
Comment: This sequence change replaces aspartic acid, which is acidic and polar, with glutamic acid, which is acidic and polar, at codon 894 of the ATP1A2 protein (p.Asp894Glu). This variant is present in population databases (no rsID available, gnomAD 0.006%). This variant has not been reported in the literature in individuals affected with ATP1A2-related conditions. Advanced modeling of protein sequence and biophysical properties (such as structural, functional, and spatial information, amino acid conservation, physicochemical variation, residue mobility, and thermodynamic stability) has been performed at Invitae for this missense variant, however the output from this modeling did not meet the statistical confidence thresholds required to predict the impact of this variant on ATP1A2 protein function. In summary, the available evidence is currently insufficient to determine the role of this variant in disease. Therefore, it has been classified as a Variant of Uncertain Significance.

NM_000702.4(ATP1A2):c.2682T>A (p.Asp894Glu)

Gene: ATP1A2 (ATPase Na+/K+ transporting subunit alpha 2; plus strand). Cytogenetic location: 1q23.2.
Variant type: single nucleotide variant.
Coding change: c.2682T>A on transcript NM_000702.4 (MANE Select); coding-DNA position 2682, T replaced by A.
Protein change: p.Asp894Glu; replaces aspartic acid 894 with glutamic acid.
Molecular consequence: missense variant.
Genome position (GRCh38, 1-based): chr1:160,136,688, T>A. VCF-style: chr1-160136688-T-A. GRCh37 (hg19) VCF-style: chr1-160106478-T-A.
Other names: short protein forms D894E.
Identifiers: ClinVar variation 3697401 (VCV003697401.2).